The following is an entry in ClinVar:

ClinVar aggregate classification (germline): Uncertain significance (1 of 4 stars; one submission).

Conditions:
Biotin-responsive basal ganglia disease (BTBGD). Also called: Thiamine Transporter-2 Deficiency; THIAMINE METABOLISM DYSFUNCTION SYNDROME 2 (BIOTIN- AND THIAMINE-RESPONSIVE TYPE); Thiamine metabolism dysfunction syndrome 2 (biotin- or thiamine-responsive encephalopathy type 2); thiamine-responsive encephalopathy; Thiamine metabolism dysfunction syndrome type 2. Identifiers: Orphanet 199348, Orphanet 65284, MedGen C1843807, MONDO:0011841, OMIM 607483.

Submission:

Labcorp Genetics (formerly Invitae), Labcorp
Classification: Uncertain significance for Biotin-responsive basal ganglia disease. Last evaluated: 2022-03-19. Review status: criteria provided, single submitter. Criteria: Invitae Variant Classification Sherloc (09022015). Collection method: clinical testing. Allele origin: germline.
Comment: This sequence change replaces proline, which is neutral and non-polar, with threonine, which is neutral and polar, at codon 30 of the SLC19A3 protein (p.Pro30Thr). This variant is not present in population databases (gnomAD no frequency). This variant has not been reported in the literature in individuals affected with SLC19A3-related conditions. ClinVar contains an entry for this variant (Variation ID: 1052179). Advanced modeling of protein sequence and biophysical properties (such as structural, functional, and spatial information, amino acid conservation, physicochemical variation, residue mobility, and thermodynamic stability) performed at Invitae indicates that this missense variant is expected to disrupt SLC19A3 protein function. In summary, the available evidence is currently insufficient to determine the role of this variant in disease. Therefore, it has been classified as a Variant of Uncertain Significance.

NM_025243.4(SLC19A3):c.88C>A (p.Pro30Thr)

Gene: SLC19A3 (solute carrier family 19 member 3; minus strand). Cytogenetic location: 2q36.3.
Variant type: single nucleotide variant.
Coding change: c.88C>A on transcript NM_025243.4 (MANE Select); coding-DNA position 88, C replaced by A.
Protein change: p.Pro30Thr; replaces proline 30 with threonine.
Molecular consequence: missense variant. On other transcripts: 5 prime UTR variant (2).
Genome position (GRCh38, 1-based): chr2:227,702,231, G>T on the plus strand (C>A on the coding strand, the complement: SLC19A3 is on the minus strand). VCF-style: chr2-227702231-G-T. GRCh37 (hg19) VCF-style: chr2-228566947-G-T.
Other names: c.88C>A, p.Pro30Thr (NM_001371411.1, NM_001371412.1); c.-121C>A (NM_001371413.1, NM_001371414.1); short protein forms P30T.
Identifiers: ClinVar variation 1052179 (VCV001052179.9), dbSNP rs2106332649, ClinGen allele CA350877968.